The following is an entry in ClinVar:

NM_003126.4(SPTA1):c.6112C>T (p.Leu2038=)

Gene: SPTA1 (spectrin alpha, erythrocytic 1; minus strand). Cytogenetic location: 1q23.1.
Variant type: single nucleotide variant.
Coding change: c.6112C>T on transcript NM_003126.4 (MANE Select); coding-DNA position 6112, C replaced by T.
Protein change: p.Leu2038=; no amino-acid change (leucine 2038 retained).
Molecular consequence: synonymous variant.
Genome position (GRCh38, 1-based): chr1:158,622,991, G>A on the plus strand (C>T on the coding strand, the complement: SPTA1 is on the minus strand). VCF-style: chr1-158622991-G-A. GRCh37 (hg19) VCF-style: chr1-158592781-G-A.
Other names: p.Leu2038=.
Identifiers: ClinVar variation 258952 (VCV000258952.32), dbSNP rs75931146, ClinGen allele CA1182082.
Genomic context (GRCh38, chr1:158,622,991, plus strand): 5'-GGCTAATATACAGGTAACAGAGAACTGATCATGCCTCATAATTTTTTTAAACCTTCTGTA[G>A]AGGCAGCTGTTTCTCCAGCAATTTCTGTCTGTGGACTGCCGAGGCTTCCAGCAACTGTTC-3'
Protein context (NP_003117.2, residues 2028-2048): RQKLLEKQLP[Leu2038=]QKAEDLFVEF

ClinVar aggregate classification (germline): Benign. Review status: criteria provided, multiple submitters, no conflicts (2 of 4 stars). 9 submissions from 7 submitters: Benign (9). Last evaluated 2026-02-03.

Conditions:
Hereditary spherocytosis type 3. Also called: SPTA1-Related Spherocytosis; Spherocytosis type 3. Identifiers: Orphanet 822, MedGen C2678338, MONDO:0010053, OMIM 270970.
Pyropoikilocytosis, hereditary. Also called: Pyropoikilocytosis. Identifiers: MedGen C0520739, MONDO:0009948, OMIM 266140, HP:0004839. Disease mechanism: loss of function.
Elliptocytosis 2 (EL2). Also called: ELLIPTOCYTOSIS, RHESUS-UNLINKED TYPE. Identifiers: Orphanet 288, MedGen C1851741, MONDO:0007533, OMIM 130600.

Allele frequency attached by ClinVar (database versions not stated): gnomAD exomes 0.02005 and 0.02912; ExAC 0.03160; ESP Exome Variant Server 0.05445; TOPMed 0.05832; gnomAD 0.05361 and 0.05545; 1000 Genomes Project 0.05391; 1000 Genomes Project 30x 0.05684.

Submissions (9):

Labcorp Genetics (formerly Invitae), Labcorp
Classification: Benign. Last evaluated: 2026-02-03. Review status: criteria provided, single submitter. Criteria: Invitae Variant Classification Sherloc (09022015). Collection method: clinical testing. Allele origin: germline.

ARUP Laboratories, Molecular Genetics and Genomics, ARUP Laboratories
Classification: Benign. Last evaluated: 2025-06-30. Review status: criteria provided, single submitter. Criteria: ARUP Molecular Germline Variant Investigation Process 2024. Collection method: clinical testing. Allele origin: germline.

GeneDx
Classification: Benign. Last evaluated: 2021-06-09. Review status: criteria provided, single submitter. Criteria: GeneDx Variant Classification Process June 2021. Collection method: clinical testing. Allele origin: germline. Affected: yes.

Illumina Laboratory Services, Illumina
Classification: Benign for Elliptocytosis 2. Last evaluated: 2018-01-13. Review status: criteria provided, single submitter. Criteria: ICSL Variant Classification Criteria 13 December 2019. Collection method: clinical testing. Allele origin: germline.
Comment: This variant was observed in the ICSL laboratory as part of a predisposition screen in an ostensibly healthy population. It had not been previously curated by ICSL or reported in the Human Gene Mutation Database (HGMD: prior to June 1st, 2018), and was therefore a candidate for classification through an automated scoring system. Utilizing variant allele frequency, disease prevalence and penetrance estimates, and inheritance mode, an automated score was calculated to assess if this variant is too frequent to cause the disease. Based on the score and internal cut-off values, a variant classified as benign is not then subjected to further curation. The score for this variant resulted in a classification of benign for this disease.

Illumina Laboratory Services, Illumina
Classification: Benign for Pyropoikilocytosis, hereditary. Last evaluated: 2018-01-13. Review status: criteria provided, single submitter. Criteria: ICSL Variant Classification Criteria 13 December 2019. Collection method: clinical testing. Allele origin: germline.
Comment: the same text as in the submission from Illumina Laboratory Services, Illumina above.

Illumina Laboratory Services, Illumina
Classification: Benign for Hereditary spherocytosis type 3. Last evaluated: 2018-01-13. Review status: criteria provided, single submitter. Criteria: ICSL Variant Classification Criteria 13 December 2019. Collection method: clinical testing. Allele origin: germline.
Comment: the same text as in the submission from Illumina Laboratory Services, Illumina above.

Mayo Clinic Laboratories, Mayo Clinic
Classification: Benign. Last evaluated: 2016-05-18. Review status: criteria provided, single submitter. Criteria: ACMG Guidelines, 2015. Collection method: clinical testing. Allele origin: germline. Observed: 213 variant alleles.

Breakthrough Genomics
Classification: Benign. Review status: criteria provided, single submitter. Criteria: ACMG Guidelines, 2015. Collection method: not provided. Allele origin: germline. Inheritance: Autosomal recessive inheritance. Affected: yes.

PreventionGenetics, part of Exact Sciences
Classification: Benign. Review status: criteria provided, single submitter. Criteria: ACMG Guidelines, 2015. Collection method: clinical testing. Allele origin: germline.